The following is an entry in ClinVar:

ClinVar aggregate classification (germline): Pathogenic. Review status: criteria provided, multiple submitters, no conflicts (2 of 4 stars). 3 submissions from 3 submitters: Pathogenic (3). Last evaluated 2023-04-11.

Conditions:
Microcephaly 5, primary, autosomal recessive (MCPH5). Also called: ASPM Primary Microcephaly. Identifiers: Orphanet 2512, MedGen C1837501, MONDO:0012106, OMIM 608716.
Arthrogryposis multiplex congenita (AMC). Also called: Guérin-Stern syndrome; Congenital multiple arthrogryposis; Fibrous ankylosis of multiple joints; Congenital arthromyodysplasia; Myodystrophia fetalis deformans; Otto syndrome. Identifiers: Orphanet 1037, MedGen C5779613, MeSH D001176, MONDO:0015168, HP:0002804.
Fetal akinesia deformation sequence 1 (FADS1). Also called: Pena-Shokeir syndrome type I; Fetal akinesia sequence. Identifiers: Orphanet 994, MedGen C1276035, MONDO:0100101, OMIM 208150, HP:0001989.

Allele frequency attached by ClinVar (database versions not stated): gnomAD exomes below 0.00001; TOPMed below 0.00001; ExAC 0.00001; gnomAD 0.00001.
gnomAD v4.1: 1 of 1,613,692 alleles (0.000062%); highest among the groups gnomAD compares: Non-Finnish European, 0.000085%; no homozygotes.

Submissions (3):

Genome-Nilou Lab
Classification: Pathogenic for Microcephaly 5, primary, autosomal recessive. Last evaluated: 2023-04-11. Review status: criteria provided, single submitter. Criteria: ACMG Guidelines, 2015. Collection method: clinical testing. Allele origin: germline. Affected: no.

Genetic Services Laboratory, University of Chicago
Classification: Pathogenic. Last evaluated: 2021-12-27. Review status: criteria provided, single submitter. Criteria: ACMG Guidelines, 2015. Collection method: clinical testing. Allele origin: germline. Affected: yes.
Comment: DNA sequence analysis of the ASPM gene demonstrated a sequence change, c.2863C>T, that results in the creation of a premature stop codon at amino acid position 955, p.Gln955*. This pathogenic sequence change is predicted to result in an abnormal transcript, which may be degraded, or may lead to the production of a truncated ASPM protein with potentially abnormal function. This sequence change has been described in the gnomAD database in a single individual in the heterozygous state which corresponds to a population frequency of 0.00040% (dbSNP rs774338373). This pathogenic sequence change has previously been described in the compound heterozygous state in an individual with microcephaly and arthrogryposis (PMID: 31680123). Collectively, these evidences indicate the sequence change is pathogenic.

Cirak Lab, University Hospital Cologne
Classification: Pathogenic for Arthrogryposis multiplex congenita; Fetal akinesia sequence. Last evaluated: 2019-06-28. Review status: criteria provided, single submitter. Criteria: ACMG Guidelines, 2015. Collection method: research. Allele origin: paternal. Affected: yes. Observed: 1 variant allele.

Literature cited by the submitters: PubMed 31680123 (cited by Cirak Lab, University Hospital Cologne).

NM_018136.5(ASPM):c.2863C>T (p.Gln955Ter)

Gene: ASPM (assembly factor for spindle microtubules; minus strand). Cytogenetic location: 1q31.3.
Variant type: single nucleotide variant.
Coding change: c.2863C>T on transcript NM_018136.5 (MANE Select); coding-DNA position 2863, C replaced by T.
Protein change: p.Gln955Ter; replaces glutamine 955 with a stop codon.
Molecular consequence: nonsense.
Genome position (GRCh38, 1-based): chr1:197,128,563, G>A on the plus strand (C>T on the coding strand, the complement: ASPM is on the minus strand). VCF-style: chr1-197128563-G-A. GRCh37 (hg19) VCF-style: chr1-197097693-G-A.
Other names: c.2863C>T, p.Gln955Ter (NM_001206846.2); short protein forms Q955*.
Identifiers: ClinVar variation 692298 (VCV000692298.7), dbSNP rs774338373, ClinGen allele CA1310334.
Genomic context (GRCh38, chr1:197,128,563, plus strand): 5'-CACATTGCAAGTCTACGGCAAGATTTGTAACGGCAAAATCAAATTCATCAAATGGTGTCT[G>A]AACATGGTTAACAGGTAATCCCAATAAGCCAAGGTGACGGGAAAGGTCACCTTCACCACT-3'